The following is an entry in ClinVar:

NM_000260.4(MYO7A):c.*442T>C

Gene: MYO7A (myosin VIIA; plus strand). Cytogenetic location: 11q13.5.
Variant type: single nucleotide variant.
Coding change: c.*442T>C on transcript NM_000260.4 (MANE Select); 442 bases downstream of the stop codon, T replaced by C.
Molecular consequence: 3 prime UTR variant.
Genome position (GRCh38, 1-based): chr11:77,215,138, T>C. VCF-style: chr11-77215138-T-C. GRCh37 (hg19) VCF-style: chr11-76926183-T-C.
Other names: c.*442T>C (NM_001369365.1, NM_001127180.2).
Identifiers: ClinVar variation 306209 (VCV000306209.6), dbSNP rs115238711, ClinGen allele CA10635720.

ClinVar aggregate classification (germline): Conflicting classifications of pathogenicity. Review status: criteria provided, conflicting classifications (1 of 4 stars). 4 submissions from 2 submitters: Uncertain significance (1); Benign (1); Likely benign (2). Last evaluated 2021-05-15.

Conditions:
Autosomal dominant nonsyndromic hearing loss 11. Identifiers: Orphanet 90635, MedGen C1832475, MONDO:0011032, OMIM 601317.
Autosomal recessive nonsyndromic hearing loss 2. Also called: DEAFNESS, AUTOSOMAL RECESSIVE 2; NEUROSENSORY NONSYNDROMIC RECESSIVE DEAFNESS 2. Identifiers: Orphanet 90636, MedGen C1838701, MONDO:0010807, OMIM 600060.
Usher syndrome type 1 (USH1). Also called: RETINITIS PIGMENTOSA AND CONGENITAL DEAFNESS. Identifiers: Orphanet 231169, Orphanet 886, MedGen C1568247, MONDO:0010168, OMIM 276900.

Allele frequency attached by ClinVar (database versions not stated): gnomAD exomes 0.00099; 1000 Genomes Project 30x 0.00890; gnomAD 0.00895 and 0.00963; 1000 Genomes Project 0.00899; TOPMed 0.00991.
gnomAD v4.1: 1,379 of 173,560 alleles (0.79%); highest among the groups gnomAD compares: African/African-American, 3%; 25 homozygotes.

Submissions (4):

GeneDx
Classification: Likely benign. Last evaluated: 2021-05-15. Review status: criteria provided, single submitter. Criteria: GeneDx Variant Classification Process June 2021. Collection method: clinical testing. Allele origin: germline. Affected: yes.

Illumina Laboratory Services, Illumina
Classification: Uncertain significance for Autosomal recessive nonsyndromic hearing loss 2. Last evaluated: 2018-01-13. Review status: criteria provided, single submitter. Criteria: ICSL Variant Classification Criteria 13 December 2019. Collection method: clinical testing. Allele origin: germline.

Illumina Laboratory Services, Illumina
Classification: Benign for Autosomal dominant nonsyndromic hearing loss 11. Last evaluated: 2018-01-13. Review status: criteria provided, single submitter. Criteria: ICSL Variant Classification Criteria 13 December 2019. Collection method: clinical testing. Allele origin: germline.
Comment: This variant was observed in the ICSL laboratory as part of a predisposition screen in an ostensibly healthy population. It had not been previously curated by ICSL or reported in the Human Gene Mutation Database (HGMD: prior to June 1st, 2018), and was therefore a candidate for classification through an automated scoring system. Utilizing variant allele frequency, disease prevalence and penetrance estimates, and inheritance mode, an automated score was calculated to assess if this variant is too frequent to cause the disease. Based on the score and internal cut-off values, a variant classified as benign is not then subjected to further curation. The score for this variant resulted in a classification of benign for this disease.

Illumina Laboratory Services, Illumina
Classification: Likely benign for Usher syndrome type 1. Last evaluated: 2018-01-13. Review status: criteria provided, single submitter. Criteria: ICSL Variant Classification Criteria 13 December 2019. Collection method: clinical testing. Allele origin: germline.
Comment: This variant was observed in the ICSL laboratory as part of a predisposition screen in an ostensibly healthy population. It had not been previously curated by ICSL or reported in the Human Gene Mutation Database (HGMD: prior to June 1st, 2018), and was therefore a candidate for classification through an automated scoring system. Utilizing variant allele frequency, disease prevalence and penetrance estimates, and inheritance mode, an automated score was calculated to assess if this variant is too frequent to cause the disease. Based on the score and internal cut-off values, a variant classified as likely benign is not then subjected to further curation. The score for this variant resulted in a classification of likely benign for this disease.